The following is an entry in ClinVar:

ClinVar aggregate classification (germline): Likely benign. Review status: criteria provided, multiple submitters, no conflicts (2 of 4 stars). 4 submissions from 4 submitters: Likely benign (4). Last evaluated 2025-12-29.

Conditions:
Episodic ataxia type 2 (EA2). Also called: ATAXIA, EPISODIC, WITH NYSTAGMUS; ATAXIA, FAMILIAL PAROXYSMAL; CEREBELLAR ATAXIA, PAROXYSMAL, ACETAZOLAMIDE-RESPONSIVE; CEREBELLOPATHY, HEREDITARY PAROXYSMAL; EPISODIC ATAXIA, NYSTAGMUS-ASSOCIATED; ACETAZOLAMIDE-RESPONSIVE HEREDITARY PAROXYSMAL CEREBELLAR ATAXIA. Identifiers: Orphanet 97, MedGen C1720416, MONDO:0007163, OMIM 108500.
Developmental and epileptic encephalopathy, 42 (DEE42A). Also called: DEVELOPMENTAL AND EPILEPTIC ENCEPHALOPATHY 42A; EPILEPTIC ENCEPHALOPATHY, EARLY INFANTILE, 42A; Epileptic encephalopathy, early infantile, 42. Identifiers: MedGen C4310716, MONDO:0014917, OMIM 617106.
Inborn genetic diseases. Identifiers: MedGen C0950123, MeSH D030342.

Allele frequency attached by ClinVar (database versions not stated): gnomAD exomes below 0.00001; ExAC 0.00001; gnomAD 0.00003; TOPMed 0.00003.
gnomAD v4.1: 11 of 1,613,188 alleles (0.00068%); highest among the groups gnomAD compares: African/African-American, 0.012%; no homozygotes.

Submissions (4):

Labcorp Genetics (formerly Invitae), Labcorp
Classification: Likely benign for Developmental and epileptic encephalopathy, 42; Episodic ataxia type 2. Last evaluated: 2025-12-29. Review status: criteria provided, single submitter. Criteria: Invitae Variant Classification Sherloc (09022015). Collection method: clinical testing. Allele origin: germline.

Blueprint Genetics
Classification: Likely benign. Last evaluated: 2024-06-19. Review status: criteria provided, single submitter. Criteria: ACMG Guidelines, 2015. Collection method: clinical testing. Allele origin: germline.

Ambry Genetics
Classification: Likely benign for Inborn genetic diseases. Last evaluated: 2019-01-18. Review status: criteria provided, single submitter. Criteria: Ambry Variant Classification Scheme 2023. Collection method: clinical testing. Allele origin: germline.

GeneDx
Classification: Likely benign. Last evaluated: 2017-09-07. Review status: criteria provided, single submitter. Criteria: GeneDx Variant Classification (06012015). Collection method: clinical testing. Allele origin: germline. Affected: yes.
Comment: This variant is considered likely benign or benign based on one or more of the following criteria: it is a conservative change, it occurs at a poorly conserved position in the protein, it is predicted to be benign by multiple in silico algorithms, and/or has population frequency not consistent with disease.

NM_001127222.2(CACNA1A):c.2487G>A (p.Glu829=)

Gene: CACNA1A (calcium voltage-gated channel subunit alpha1 A; minus strand). Cytogenetic location: 19p13.13.
Variant type: single nucleotide variant.
Coding change: c.2487G>A on transcript NM_001127222.2 (MANE Select); coding-DNA position 2487, G replaced by A.
Protein change: p.Glu829=; no amino-acid change (glutamic acid 829 retained).
Molecular consequence: synonymous variant.
Genome position (GRCh38, 1-based): chr19:13,299,146, C>T on the plus strand (G>A on the coding strand, the complement: CACNA1A is on the minus strand). VCF-style: chr19-13299146-C-T. GRCh37 (hg19) VCF-style: chr19-13409960-C-T.
Other names: c.2499G>A, p.Glu833= (NM_000068.4, NM_023035.3); c.2490G>A, p.Glu830= (NM_001127221.2, NM_001174080.2).
Identifiers: ClinVar variation 511874 (VCV000511874.15), dbSNP rs755434242, ClinGen allele CA9240543.